The following is an entry in ClinVar:

ClinVar aggregate classification (germline): Uncertain significance. Review status: criteria provided, multiple submitters, no conflicts (2 of 4 stars). 3 submissions from 3 submitters: Uncertain significance (3). Last evaluated 2026-01-26.

Allele frequency attached by ClinVar (database versions not stated): 1000 Genomes Project 0.00040; 1000 Genomes Project 30x 0.00047; ESP Exome Variant Server 0.00069; gnomAD exomes 0.00071 and 0.00101; ExAC 0.00073; gnomAD 0.00078; TOPMed 0.00087.
gnomAD v4.1: 1,596 of 1,613,182 alleles (0.099%); highest among the groups gnomAD compares: Admixed American, 0.15%; 3 homozygotes.

Submissions (3):

Labcorp Genetics (formerly Invitae), Labcorp
Classification: Uncertain significance. Last evaluated: 2026-01-26. Review status: criteria provided, single submitter. Criteria: Invitae Variant Classification Sherloc (09022015). Collection method: clinical testing. Allele origin: germline.
Comment: This sequence change replaces alanine, which is neutral and non-polar, with threonine, which is neutral and polar, at codon 1988 of the DSCAML1 protein (p.Ala1988Thr). This variant is present in population databases (rs149175291, gnomAD 0.1%), and has an allele count higher than expected for a pathogenic variant. This variant has not been reported in the literature in individuals affected with DSCAML1-related conditions. ClinVar contains an entry for this variant (Variation ID: 1486742). An algorithm developed to predict the effect of missense changes on protein structure and function (PolyPhen-2) suggests that this variant is likely to be tolerated. In summary, the available evidence is currently insufficient to determine the role of this variant in disease. Therefore, it has been classified as a Variant of Uncertain Significance.

Ambry Genetics
Classification: Uncertain significance. Last evaluated: 2024-06-10. Review status: criteria provided, single submitter. Criteria: Ambry Variant Classification Scheme 2023. Collection method: clinical testing. Allele origin: germline.

Breakthrough Genomics
Classification: Uncertain significance. Review status: criteria provided, single submitter. Criteria: ACMG Guidelines, 2015. Collection method: not provided. Allele origin: germline. Inheritance: Unknown mechanism. Affected: yes.

NM_020693.4(DSCAML1):c.5782G>A (p.Ala1928Thr)

Gene: DSCAML1 (DS cell adhesion molecule like 1; minus strand). Cytogenetic location: 11q23.3.
Variant type: single nucleotide variant.
Coding change: c.5782G>A on transcript NM_020693.4 (MANE Select); coding-DNA position 5782, G replaced by A.
Protein change: p.Ala1928Thr; replaces alanine 1928 with threonine.
Molecular consequence: missense variant.
Genome position (GRCh38, 1-based): chr11:117,428,708, C>T on the plus strand (G>A on the coding strand, the complement: DSCAML1 is on the minus strand). VCF-style: chr11-117428708-C-T. GRCh37 (hg19) VCF-style: chr11-117299424-C-T.
Other names: c.5962G>A (NM_020693.2); short protein forms A1928T.
Identifiers: ClinVar variation 1486742 (VCV001486742.9), dbSNP rs149175291, ClinGen allele CA6295969.